The following is an entry in ClinVar:

NM_003803.4(MYOM1):c.1210G>A (p.Glu404Lys)

Gene: MYOM1 (myomesin 1; minus strand). Cytogenetic location: 18p11.31.
Variant type: single nucleotide variant.
Coding change: c.1210G>A on transcript NM_003803.4 (MANE Select); coding-DNA position 1210, G replaced by A.
Protein change: p.Glu404Lys; replaces glutamic acid 404 with lysine.
Molecular consequence: missense variant.
Genome position (GRCh38, 1-based): chr18:3,168,946, C>T on the plus strand (G>A on the coding strand, the complement: MYOM1 is on the minus strand). VCF-style: chr18-3168946-C-T. GRCh37 (hg19) VCF-style: chr18-3168944-C-T.
Other names: c.1210G>A, p.Glu404Lys (NM_019856.2); short protein forms E404K.
Identifiers: ClinVar variation 2726676 (VCV002726676.3), dbSNP rs2510692484, ClinGen allele CA401715392.

ClinVar aggregate classification (germline): Uncertain significance (1 of 4 stars; one submission).

Conditions:
Hypertrophic cardiomyopathy. Also called: HYPERTROPHIC MYOCARDIOPATHY. Identifiers: Orphanet 217569, MedGen C0007194, MeSH D002312, MONDO:0005045, HP:0001639.

Submission:

Labcorp Genetics (formerly Invitae), Labcorp
Classification: Uncertain significance for Hypertrophic cardiomyopathy. Last evaluated: 2023-07-05. Review status: criteria provided, single submitter. Criteria: Invitae Variant Classification Sherloc (09022015). Collection method: clinical testing. Allele origin: germline.
Comment: In summary, the available evidence is currently insufficient to determine the role of this variant in disease. Therefore, it has been classified as a Variant of Uncertain Significance. An algorithm developed to predict the effect of missense changes on protein structure and function (PolyPhen-2) suggests that this variant is likely to be tolerated. This variant has not been reported in the literature in individuals affected with MYOM1-related conditions. This variant is not present in population databases (gnomAD no frequency). This sequence change replaces glutamic acid, which is acidic and polar, with lysine, which is basic and polar, at codon 404 of the MYOM1 protein (p.Glu404Lys).